The following is an entry in ClinVar:

ClinVar aggregate classification (germline): Uncertain significance (1 of 4 stars; one submission).

Conditions:
Hereditary spastic paraplegia 4. Also called: Spastic paraplegia 4, autosomal dominant; Spastic Paraplegia 4; Familial spastic paraplegia autosomal dominant 2. Identifiers: Orphanet 100985, MedGen C1866855, MONDO:0008438, OMIM 182601.

Allele frequency attached by ClinVar (database versions not stated): ExAC 0.00001; gnomAD 0.00001.

Submission:

Laboratorio de Genetica e Diagnostico Molecular, Hospital Israelita Albert Einstein
Classification: Uncertain significance for Hereditary spastic paraplegia 4. Last evaluated: 2022-01-18. Review status: criteria provided, single submitter. Criteria: ACMG Guidelines, 2015. Collection method: clinical testing. Allele origin: germline. Affected: yes.
Comment: ACMG classification criteria: PM2 moderate

NM_014946.4(SPAST):c.1577G>A (p.Gly526Glu)

Gene: SPAST (spastin; plus strand). Cytogenetic location: 2p22.3.
Variant type: single nucleotide variant.
Coding change: c.1577G>A on transcript NM_014946.4 (MANE Select); coding-DNA position 1577, G replaced by A.
Protein change: p.Gly526Glu; replaces glycine 526 with glutamic acid.
Molecular consequence: missense variant.
Genome position (GRCh38, 1-based): chr2:32,143,376, G>A. VCF-style: chr2-32143376-G-A. GRCh37 (hg19) VCF-style: chr2-32368445-G-A.
Other names: c.1574G>A, p.Gly525Glu (NM_001363823.2); c.1478G>A, p.Gly493Glu (NM_001363875.2); c.1481G>A, p.Gly494Glu (NM_001377959.1, NM_199436.2); short protein forms G493E, G494E, G525E, G526E.
Identifiers: ClinVar variation 1683665 (VCV001683665.2), dbSNP rs750991507, ClinGen allele CA1600945.
Genomic context (GRCh38, chr2:32,143,376, plus strand): 5'-CATTTTTTAATATTTTTCAGACAAGACTACTTTTGCTTAAAAATCTGTTATGTAAACAAG[G>A]AAGTCCATTGACCCAAAAAGAACTAGCACAACTTGCTAGGTGAGTAATTTGGATTTGGTT-3'
Protein context (NP_055761.2, residues 516-536): LLLKNLLCKQ[Gly526Glu]SPLTQKELAQ